The following is an entry in ClinVar:

ClinVar aggregate classification (germline): Uncertain significance (1 of 4 stars; one submission).

Conditions:
Hypokalemic periodic paralysis, type 1. Also called: Hypokalemic Periodic Paralysis Type 1 (AD); HypoPP. Identifiers: Orphanet 681, MedGen C3714580, MONDO:0042979, OMIM 170400.
Malignant hyperthermia, susceptibility to, 5 (MHS5). Also called: CACNA1S-Related Malignant Hyperthermia Susceptibility. Identifiers: Orphanet 423, MedGen C1866077, MONDO:0011163, OMIM 601887.

Allele frequency attached by ClinVar (database versions not stated): ExAC 0.00001.

Submission:

Labcorp Genetics (formerly Invitae), Labcorp
Classification: Uncertain significance for Hypokalemic periodic paralysis, type 1; Malignant hyperthermia, susceptibility to, 5. Last evaluated: 2021-03-22. Review status: criteria provided, single submitter. Criteria: Invitae Variant Classification Sherloc (09022015). Collection method: clinical testing. Allele origin: germline.
Comment: This variant is present in population databases (rs571114435, ExAC 0.002%). In summary, the available evidence is currently insufficient to determine the role of this variant in disease. Therefore, it has been classified as a Variant of Uncertain Significance. Advanced modeling of protein sequence and biophysical properties (such as structural, functional, and spatial information, amino acid conservation, physicochemical variation, residue mobility, and thermodynamic stability) performed at Invitae indicates that this missense variant is not expected to disrupt CACNA1S protein function. This variant has not been reported in the literature in individuals with CACNA1S-related conditions. This sequence change replaces valine with leucine at codon 176 of the CACNA1S protein (p.Val176Leu). The valine residue is highly conserved and there is a small physicochemical difference between valine and leucine.

NM_000069.3(CACNA1S):c.526G>C (p.Val176Leu)

Gene: CACNA1S (calcium voltage-gated channel subunit alpha1 S; minus strand). Cytogenetic location: 1q32.1.
Variant type: single nucleotide variant.
Coding change: c.526G>C on transcript NM_000069.3 (MANE Select); coding-DNA position 526, G replaced by C.
Protein change: p.Val176Leu; replaces valine 176 with leucine.
Molecular consequence: missense variant.
Genome position (GRCh38, 1-based): chr1:201,091,987, C>G on the plus strand (G>C on the coding strand, the complement: CACNA1S is on the minus strand). VCF-style: chr1-201091987-C-G. GRCh37 (hg19) VCF-style: chr1-201061115-C-G.
Other names: short protein forms V176L.
Identifiers: ClinVar variation 1362761 (VCV001362761.8), dbSNP rs571114435, ClinGen allele CA083793.
Genomic context (GRCh38, chr1:201,091,987, plus strand): 5'-AGGAAGGGAGAGGAGAAAGGGGTCTGCAGGGACACTGCCACCCACTAGGCACCCCCGACA[C>G]CAGCCGGAGGGGTCTGAGCACTCGGAAGGCTCTGAGGGCCTTGACATCCAAGCCGGCTCC-3'
Protein context (NP_000060.2, residues 166-186): AFRVLRPLRL[Val176Leu]SGVPSLQVVL